The following is an entry in ClinVar:

ClinVar aggregate classification (germline): Uncertain significance (1 of 4 stars; one submission).

Allele frequency attached by ClinVar (database versions not stated): gnomAD exomes 0.00001 and below 0.00001; ExAC 0.00002.
gnomAD v4.1: 7 of 1,614,210 alleles (0.00043%); highest among the groups gnomAD compares: South Asian, 0.0077%; no homozygotes.

Submission:

GeneDx
Classification: Uncertain significance. Last evaluated: 2020-01-14. Review status: criteria provided, single submitter. Criteria: GeneDx Variant Classification Process June 2021. Collection method: clinical testing. Allele origin: germline. Affected: yes.
Comment: In silico analysis, which includes protein predictors and evolutionary conservation, supports a deleterious effect; Has not been previously published as pathogenic or benign to our knowledge

NM_015662.3(IFT172):c.4732T>G (p.Tyr1578Asp)

Genes: IFT172 (intraflagellar transport 172; minus strand), KRTCAP3 (keratinocyte associated protein 3; plus strand). Cytogenetic location: 2p23.3.
Variant type: single nucleotide variant.
Coding change: c.4732T>G on transcript NM_015662.3 (MANE Select); coding-DNA position 4732, T replaced by G.
Protein change: p.Tyr1578Asp; replaces tyrosine 1578 with aspartic acid.
Molecular consequence: missense variant. On other transcripts: intron variant (1).
Genome position (GRCh38, 1-based): chr2:27,446,283, A>C on the plus strand (T>G on the coding strand, the complement: IFT172 is on the minus strand). VCF-style: chr2-27446283-A-C. GRCh37 (hg19) VCF-style: chr2-27669150-A-C.
Other names: c.4666T>G, p.Tyr1556Asp (NM_001410739.1); c.*6-18A>C (NM_001168364.2); short protein forms Y1578D, Y1556D.
Identifiers: ClinVar variation 1311879 (VCV001311879.4), dbSNP rs764818890, ClinGen allele CA1579510.
Genomic context (GRCh38, chr2:27,446,283, plus strand): 5'-CCTCCTATCTGCCCCACCCTTCCTTGTCCCAGCTCACCTTGGCAGCAATGCCTGCTTCAT[A>C]GAAGGCTTTGTCTACAGGTAGTAGCTGGGTGTGACGCAAGAGTGAAACAGAAAGCCTGGC-3'
Protein context (NP_056477.1, residues 1568-1588): TQLLPVDKAF[Tyr1578Asp]EAGIAAKAVG